The following is an entry in ClinVar:

ClinVar aggregate classification (germline): Likely benign (0 of 4 stars; one submission).

Conditions:
EDAR-related disorder. Also called: EDAR-related condition.

Allele frequency attached by ClinVar (database versions not stated): TOPMed 0.00001; gnomAD exomes 0.00002.
gnomAD v4.1: 25 of 1,613,670 alleles (0.0015%); highest among the groups gnomAD compares: Non-Finnish European, 0.0019%; no homozygotes.

Submission:

PreventionGenetics, part of Exact Sciences
Classification: Likely benign for EDAR-related condition. Last evaluated: 2019-03-09. Review status: no assertion criteria provided. Collection method: clinical testing. Allele origin: germline.
Comment: This variant is classified as likely benign based on ACMG/AMP sequence variant interpretation guidelines (Richards et al. 2015 PMID: 25741868, with internal and published modifications).

NM_022336.4(EDAR):c.1294C>T (p.Leu432=)

Genes: EDAR (ectodysplasin A receptor; minus strand), RANBP2 (RAN binding protein 2; plus strand). Cytogenetic location: 2q13.
Variant type: single nucleotide variant.
Coding change: c.1294C>T on transcript NM_022336.4 (MANE Select); coding-DNA position 1294, C replaced by T.
Protein change: p.Leu432=; no amino-acid change (leucine 432 retained).
Molecular consequence: synonymous variant.
Genome position (GRCh38, 1-based): chr2:108,896,960, G>A on the plus strand (C>T on the coding strand, the complement: EDAR is on the minus strand). VCF-style: chr2-108896960-G-A. GRCh37 (hg19) VCF-style: chr2-109513416-G-A.
Identifiers: ClinVar variation 3057657 (VCV003057657.2), dbSNP rs1293210073, ClinGen allele CA428203893.